The following is an entry in ClinVar:

ClinVar aggregate classification (germline): Uncertain significance. Review status: criteria provided, multiple submitters, no conflicts (2 of 4 stars). 3 submissions from 3 submitters: Uncertain significance (3). Last evaluated 2023-12-12.

Conditions:
Osteogenesis imperfecta type 8 (OI8). Identifiers: MedGen C1970458, MONDO:0012581, OMIM 610915.

Allele frequency attached by ClinVar (database versions not stated): gnomAD exomes 0.00001 and 0.00003; TOPMed 0.00002; gnomAD 0.00003 and 0.00004.
gnomAD v4.1: 47 of 1,613,964 alleles (0.0029%); highest among the groups gnomAD compares: Non-Finnish European, 0.0036%; no homozygotes.

Submissions (3):

Mayo Clinic Laboratories, Mayo Clinic
Classification: Uncertain significance. Last evaluated: 2023-12-12. Review status: criteria provided, single submitter. Criteria: ACMG Guidelines, 2015. Collection method: clinical testing. Allele origin: germline. Observed: 1 variant allele.
Comment: BP4, PM2

Labcorp Genetics (formerly Invitae), Labcorp
Classification: Uncertain significance for Osteogenesis imperfecta type 8. Last evaluated: 2022-04-25. Review status: criteria provided, single submitter. Criteria: Invitae Variant Classification Sherloc (09022015). Collection method: clinical testing. Allele origin: germline.
Comment: This sequence change replaces asparagine, which is neutral and polar, with serine, which is neutral and polar, at codon 491 of the P3H1 protein (p.Asn491Ser). This variant is present in population databases (rs754714794, gnomAD 0.002%). This variant has not been reported in the literature in individuals affected with P3H1-related conditions. ClinVar contains an entry for this variant (Variation ID: 841890). Algorithms developed to predict the effect of missense changes on protein structure and function (SIFT, PolyPhen-2, Align-GVGD) all suggest that this variant is likely to be tolerated. Algorithms developed to predict the effect of sequence changes on RNA splicing suggest that this variant may disrupt the consensus splice site. In summary, the available evidence is currently insufficient to determine the role of this variant in disease. Therefore, it has been classified as a Variant of Uncertain Significance.

Blueprint Genetics
Classification: Uncertain significance. Last evaluated: 2021-08-16. Review status: criteria provided, single submitter. Criteria: ACMG Guidelines, 2015. Collection method: clinical testing. Allele origin: germline.

NM_022356.4(P3H1):c.1472A>G (p.Asn491Ser)

Gene: P3H1 (prolyl 3-hydroxylase 1; minus strand). Cytogenetic location: 1p34.2.
Variant type: single nucleotide variant.
Coding change: c.1472A>G on transcript NM_022356.4 (MANE Select); coding-DNA position 1472, A replaced by G.
Protein change: p.Asn491Ser; replaces asparagine 491 with serine.
Molecular consequence: missense variant.
Genome position (GRCh38, 1-based): chr1:42,752,538, T>C on the plus strand (A>G on the coding strand, the complement: P3H1 is on the minus strand). VCF-style: chr1-42752538-T-C. GRCh37 (hg19) VCF-style: chr1-43218209-T-C.
Other names: p.Asn491Ser; c.1472A>G, p.Asn491Ser (NM_001146289.2, NM_001243246.2); short protein forms N491S.
Identifiers: ClinVar variation 841890 (VCV000841890.9), dbSNP rs754714794, ClinGen allele CA21242978.
Genomic context (GRCh38, chr1:42,752,538, plus strand): 5'-CACTTGGTGGGGGGATGCTGGACCCTTGGGGGAAGGTGCAGTCACTGGGCTTCCCTTACA[T>C]TGGTCAGTCTCTGCAGCTCCTGACACTCGTGGTCAGAGATTACGCCGTCCATCACCACCC-3'
Protein context (NP_071751.3, residues 481-501): HECQELQRLT[Asn491Ser]VAATSGDGYR